The following is an entry in ClinVar:

ClinVar aggregate classification (germline): Likely benign. Review status: criteria provided, multiple submitters, no conflicts (2 of 4 stars). 3 submissions from 3 submitters: Likely benign (3). Last evaluated 2025-09-02.

Conditions:
Autoinflammation-PLCG2-associated antibody deficiency-immune dysregulation. Also called: Autoinflammation, antibody deficiency, and immune dysregulation syndrome; Autoinflammation, antibody deficiency, and immune dysregulation, plcg2-associated; AUTOINFLAMMATION, ANTIBODY DEFICIENCY, AND IMMUNE DYSREGULATION. Identifiers: Orphanet 324530, MedGen C3553961, MONDO:0013944, OMIM 614878.
Familial cold autoinflammatory syndrome 3 (FCAS3). Also called: ANTIBODY DEFICIENCY AND IMMUNE DYSREGULATION, PLCG2-ASSOCIATED; FAMILIAL ATYPICAL COLD URTICARIA. Identifiers: Orphanet 300359, MedGen C3280914, MONDO:0013766, OMIM 614468.

Allele frequency attached by ClinVar (database versions not stated): gnomAD 0.00005 and 0.00008; TOPMed 0.00008; gnomAD exomes 0.00026; ExAC 0.00027; 1000 Genomes Project 0.00060; 1000 Genomes Project 30x 0.00078.
gnomAD v4.1: 178 of 1,613,906 alleles (0.011%); highest among the groups gnomAD compares: South Asian, 0.14%; 4 homozygotes.

Submissions (3):

Labcorp Genetics (formerly Invitae), Labcorp
Classification: Likely benign for Familial cold autoinflammatory syndrome 3. Last evaluated: 2025-09-02. Review status: criteria provided, single submitter. Criteria: Invitae Variant Classification Sherloc (09022015). Collection method: clinical testing. Allele origin: germline.

CeGaT Center for Human Genetics Tuebingen
Classification: Likely benign. Last evaluated: 2024-01-01. Review status: criteria provided, single submitter. Criteria: CeGaT Center For Human Genetics Tuebingen Variant Classification Criteria Version 2. Collection method: clinical testing. Allele origin: germline. Affected: yes. Observed: 1 variant allele.
Comment: PLCG2: BS1

Fulgent Genetics
Classification: Likely benign for Familial cold autoinflammatory syndrome 3; Autoinflammation-PLCG2-associated antibody deficiency-immune dysregulation. Last evaluated: 2022-03-28. Review status: criteria provided, single submitter. Criteria: ACMG Guidelines, 2015. Collection method: clinical testing. Allele origin: unknown.

NM_002661.5(PLCG2):c.323C>T (p.Thr108Met)

Gene: PLCG2 (phospholipase C gamma 2; plus strand). Cytogenetic location: 16q23.3.
Variant type: single nucleotide variant.
Coding change: c.323C>T on transcript NM_002661.5 (MANE Select); coding-DNA position 323, C replaced by T.
Protein change: p.Thr108Met; replaces threonine 108 with methionine.
Molecular consequence: missense variant.
Genome position (GRCh38, 1-based): chr16:81,854,573, C>T. VCF-style: chr16-81854573-C-T. GRCh37 (hg19) VCF-style: chr16-81888178-C-T.
Other names: short protein forms T108M.
Identifiers: ClinVar variation 1545380 (VCV001545380.31), dbSNP rs535715020, ClinGen allele CA8193125.